The following is an entry in ClinVar:

NM_000548.5(TSC2):c.1313A>G (p.Lys438Arg)

Gene: TSC2 (TSC complex subunit 2; plus strand). Cytogenetic location: 16p13.3.
Variant type: single nucleotide variant.
Coding change: c.1313A>G on transcript NM_000548.5 (MANE Select); coding-DNA position 1313, A replaced by G.
Protein change: p.Lys438Arg; replaces lysine 438 with arginine.
Molecular consequence: missense variant. On other transcripts: 5 prime UTR variant (10), non-coding transcript variant (5).
Genome position (GRCh38, 1-based): chr16:2,062,552, A>G. VCF-style: chr16-2062552-A-G. GRCh37 (hg19) VCF-style: chr16-2112553-A-G.
Other names: c.1313A>G, p.Lys438Arg (NM_001406665.1, NM_001077183.3, NM_001114382.3 and 6 more transcripts); c.1403A>G, p.Lys468Arg (NM_001406667.1, NM_001406668.1); c.1202A>G, p.Lys401Arg (NM_001406670.1, NM_001406678.1, NM_001318827.2); c.1301A>G, p.Lys434Arg (NM_001406671.1, NM_001406673.1); c.1166A>G, p.Lys389Arg (NM_001406675.1, NM_001406676.1, NM_001318829.2 and 1 more transcripts); c.1256A>G, p.Lys419Arg (NM_001406677.1); c.713A>G, p.Lys238Arg (NM_001318831.2, NM_001406680.1, NM_001406682.1 and 6 more transcripts); c.1346A>G, p.Lys449Arg (NM_001318832.2); and 3 more; short protein forms K238R, K401R, K468R, K438R, K284R, K389R, K419R, K434R.
Identifiers: ClinVar variation 3701379 (VCV003701379.2).

ClinVar aggregate classification (germline): Uncertain significance (1 of 4 stars; one submission).

Conditions:
Tuberous sclerosis 2 (TSC2). Identifiers: Orphanet 805, MedGen C1860707, MONDO:0013199, OMIM 613254.

Submission:

Labcorp Genetics (formerly Invitae), Labcorp
Classification: Uncertain significance for Tuberous sclerosis 2. Last evaluated: 2024-10-27. Review status: criteria provided, single submitter. Criteria: Invitae Variant Classification Sherloc (09022015). Collection method: clinical testing. Allele origin: germline.
Comment: This sequence change replaces lysine, which is basic and polar, with arginine, which is basic and polar, at codon 438 of the TSC2 protein (p.Lys438Arg). This variant is not present in population databases (gnomAD no frequency). This variant has not been reported in the literature in individuals affected with TSC2-related conditions. Invitae Evidence Modeling of protein sequence and biophysical properties (such as structural, functional, and spatial information, amino acid conservation, physicochemical variation, residue mobility, and thermodynamic stability) indicates that this missense variant is not expected to disrupt TSC2 protein function with a negative predictive value of 95%. In summary, the available evidence is currently insufficient to determine the role of this variant in disease. Therefore, it has been classified as a Variant of Uncertain Significance.